The following is an entry in ClinVar:

ClinVar aggregate classification (germline): Uncertain significance (1 of 4 stars; one submission).

Allele frequency attached by ClinVar (database versions not stated): gnomAD exomes below 0.00001.
gnomAD v4.1: 2 of 1,614,072 alleles (0.00012%); highest among the groups gnomAD compares: Admixed American, 0.0033%; no homozygotes.

Submission:

Labcorp Genetics (formerly Invitae), Labcorp
Classification: Uncertain significance. Last evaluated: 2025-03-07. Review status: criteria provided, single submitter. Criteria: Invitae Variant Classification Sherloc (09022015). Collection method: clinical testing. Allele origin: germline.
Comment: This sequence change replaces glutamic acid, which is acidic and polar, with glutamine, which is neutral and polar, at codon 3725 of the MACF1 protein (p.Glu3725Gln). This variant is present in population databases (no rsID available, gnomAD 0.006%). This variant has not been reported in the literature in individuals affected with MACF1-related conditions. ClinVar contains an entry for this variant (Variation ID: 2787837). An algorithm developed to predict the effect of missense changes on protein structure and function (PolyPhen-2) suggests that this variant is likely to be disruptive. In summary, the available evidence is currently insufficient to determine the role of this variant in disease. Therefore, it has been classified as a Variant of Uncertain Significance.

NM_001394062.1(MACF1):c.17359G>C (p.Glu5787Gln)

Gene: MACF1 (microtubule actin crosslinking factor 1; plus strand). Cytogenetic location: 1p34.3.
Variant type: single nucleotide variant.
Coding change: c.17359G>C on transcript NM_001394062.1 (MANE Select); coding-DNA position 17359, G replaced by C.
Protein change: p.Glu5787Gln; replaces glutamic acid 5787 with glutamine.
Molecular consequence: missense variant.
Genome position (GRCh38, 1-based): chr1:39,432,556, G>C. VCF-style: chr1-39432556-G-C. GRCh37 (hg19) VCF-style: chr1-39898228-G-C.
Other names: c.5428G>C, p.Glu1810Gln (NM_001397473.1); c.11173G>C, p.Glu3725Gln (NM_012090.5); short protein forms E3725Q, E5787Q, E1810Q.
Identifiers: ClinVar variation 2787837 (VCV002787837.3), dbSNP rs1404982695, ClinGen allele CA339802956.